The following is an entry in ClinVar:

ClinVar aggregate classification (germline): Uncertain significance (1 of 4 stars; one submission).

Conditions:
Hereditary cancer-predisposing syndrome. Also called: Neoplastic Syndromes, Hereditary; Tumor predisposition; Hereditary Cancer Syndrome; Hereditary neoplastic syndrome. Identifiers: Orphanet 140162, MedGen C0027672, MeSH D009386, MONDO:0015356.

gnomAD v4.1: 3 of 1,614,162 alleles (0.00019%); highest among the groups gnomAD compares: East Asian, 0.0045%; no homozygotes.

Submission:

Ambry Genetics
Classification: Uncertain significance for Hereditary cancer-predisposing syndrome. Last evaluated: 2022-06-04. Review status: criteria provided, single submitter. Criteria: Ambry Variant Classification Scheme 2023. Collection method: clinical testing. Allele origin: germline.
Comment: The p.T420K variant (also known as c.1259C>A), located in coding exon 12 of the FANCC gene, results from a C to A substitution at nucleotide position 1259. The threonine at codon 420 is replaced by lysine, an amino acid with similar properties. This amino acid position is conserved. In addition, this alteration is predicted to be tolerated by in silico analysis. Since supporting evidence is limited at this time, the clinical significance of this alteration remains unclear.

NM_000136.3(FANCC):c.1259C>A (p.Thr420Lys)

Genes: AOPEP (aminopeptidase O (putative); plus strand), FANCC (FA complementation group C; minus strand). Cytogenetic location: 9q22.32.
Variant type: single nucleotide variant.
Coding change: c.1259C>A on transcript NM_000136.3 (MANE Select); coding-DNA position 1259, C replaced by A.
Protein change: p.Thr420Lys; replaces threonine 420 with lysine.
Molecular consequence: missense variant.
Genome position (GRCh38, 1-based): chr9:95,111,533, G>T on the plus strand (C>A on the coding strand, the complement: FANCC is on the minus strand). VCF-style: chr9-95111533-G-T. GRCh37 (hg19) VCF-style: chr9-97873815-G-T.
Other names: c.1259C>A, p.Thr420Lys (NM_001243743.2, NM_001243744.2); short protein forms T420K.
Identifiers: ClinVar variation 1762512 (VCV001762512.2), dbSNP rs779261511, ClinGen allele CA374107360.